The following is an entry in ClinVar:

NM_001042492.3(NF1):c.622G>A (p.Ala208Thr)

Gene: NF1 (neurofibromin 1; plus strand). Cytogenetic location: 17q11.2.
Variant type: single nucleotide variant.
Coding change: c.622G>A on transcript NM_001042492.3 (MANE Select); coding-DNA position 622, G replaced by A.
Protein change: p.Ala208Thr; replaces alanine 208 with threonine.
Molecular consequence: missense variant.
Genome position (GRCh38, 1-based): chr17:31,181,457, G>A. VCF-style: chr17-31181457-G-A. GRCh37 (hg19) VCF-style: chr17-29508475-G-A.
Other names: c.622G>A, p.Ala208Thr (NM_000267.4, NM_001128147.3); short protein forms A208T.
Identifiers: ClinVar variation 3686447 (VCV003686447.2).

ClinVar aggregate classification (germline): Uncertain significance (1 of 4 stars; one submission).

Conditions:
Neurofibromatosis, type 1 (NF1). Also called: Peripheral type neurofibromatosis; Neurofibromatosis, type I; VON RECKLINGHAUSEN DISEASE; NEUROFIBROMATOSIS, TYPE I, SOMATIC. Identifiers: Orphanet 636, MedGen C0027831, MONDO:0018975, OMIM 162200. Disease mechanism: loss of function.

Submission:

Labcorp Genetics (formerly Invitae), Labcorp
Classification: Uncertain significance for Neurofibromatosis, type 1. Last evaluated: 2024-07-21. Review status: criteria provided, single submitter. Criteria: Invitae Variant Classification Sherloc (09022015). Collection method: clinical testing. Allele origin: germline.
Comment: This sequence change replaces alanine, which is neutral and non-polar, with threonine, which is neutral and polar, at codon 208 of the NF1 protein (p.Ala208Thr). This variant is not present in population databases (gnomAD no frequency). This variant has not been reported in the literature in individuals affected with NF1-related conditions. Advanced modeling of protein sequence and biophysical properties (such as structural, functional, and spatial information, amino acid conservation, physicochemical variation, residue mobility, and thermodynamic stability) has been performed at Invitae for this missense variant, however the output from this modeling did not meet the statistical confidence thresholds required to predict the impact of this variant on NF1 protein function. In summary, the available evidence is currently insufficient to determine the role of this variant in disease. Therefore, it has been classified as a Variant of Uncertain Significance.